The following is an entry in ClinVar:

NM_001364905.1(LRBA):c.3851G>T (p.Gly1284Val)

Gene: LRBA (LPS responsive beige-like anchor protein; minus strand). Cytogenetic location: 4q31.3.
Variant type: single nucleotide variant.
Coding change: c.3851G>T on transcript NM_001364905.1 (MANE Select); coding-DNA position 3851, G replaced by T.
Protein change: p.Gly1284Val; replaces glycine 1284 with valine.
Molecular consequence: missense variant.
Genome position (GRCh38, 1-based): chr4:150,850,877, C>A on the plus strand (G>T on the coding strand, the complement: LRBA is on the minus strand). VCF-style: chr4-150850877-C-A. GRCh37 (hg19) VCF-style: chr4-151772029-C-A.
Other names: c.3851G>T, p.Gly1284Val (NM_001199282.3, NM_001367550.1, NM_006726.5); short protein forms G1284V.
Identifiers: ClinVar variation 1714385 (VCV001714385.5), dbSNP rs371324662, ClinGen allele CA358455904.
Genomic context (GRCh38, chr4:150,850,877, plus strand): 5'-AACACAGTAGATCTGGAATCCCTCCTTTGTCCATTAACTGCATCTGGTGCTATTCCTTGC[C>A]CTGGCTGCTCATGTTGCCTTGATATCTAATACAGAAATTTAAAAAGTAATAAAATAGGTT-3'
Protein context (NP_001351834.1, residues 1274-1294): LEISRQHEQP[Gly1284Val]QGIAPDAVNG

ClinVar aggregate classification (germline): Uncertain significance (1 of 4 stars; one submission).

Conditions:
Combined immunodeficiency due to LRBA deficiency. Also called: Common variable immunodeficiency 8, with autoimmunity. Identifiers: Orphanet 445018, MedGen C3553512, MONDO:0013863, OMIM 614700.

Allele frequency attached by ClinVar (database versions not stated): gnomAD exomes below 0.00001.
gnomAD v4.1: 2 of 1,610,534 alleles (0.00012%); highest among the groups gnomAD compares: Non-Finnish European, 0.000085%; no homozygotes.

Submission:

Labcorp Genetics (formerly Invitae), Labcorp
Classification: Uncertain significance for Combined immunodeficiency due to LRBA deficiency. Last evaluated: 2022-07-30. Review status: criteria provided, single submitter. Criteria: Invitae Variant Classification Sherloc (09022015). Collection method: clinical testing. Allele origin: germline.
Comment: This sequence change replaces glycine, which is neutral and non-polar, with valine, which is neutral and non-polar, at codon 1284 of the LRBA protein (p.Gly1284Val). This variant is not present in population databases (gnomAD no frequency). This variant has not been reported in the literature in individuals affected with LRBA-related conditions. Algorithms developed to predict the effect of missense changes on protein structure and function output the following: SIFT: "Tolerated"; PolyPhen-2: "Benign"; Align-GVGD: "Class C0". The valine amino acid residue is found in multiple mammalian species, which suggests that this missense change does not adversely affect protein function. In summary, the available evidence is currently insufficient to determine the role of this variant in disease. Therefore, it has been classified as a Variant of Uncertain Significance.